The following is an entry in ClinVar:

NM_016222.4(DDX41):c.1507C>T (p.His503Tyr)

Gene: DDX41 (DEAD-box helicase 41; minus strand). Cytogenetic location: 5q35.3.
Variant type: single nucleotide variant.
Coding change: c.1507C>T on transcript NM_016222.4 (MANE Select); coding-DNA position 1507, C replaced by T.
Protein change: p.His503Tyr; replaces histidine 503 with tyrosine.
Molecular consequence: missense variant.
Genome position (GRCh38, 1-based): chr5:177,512,538, G>A on the plus strand (C>T on the coding strand, the complement: DDX41 is on the minus strand). VCF-style: chr5-177512538-G-A. GRCh37 (hg19) VCF-style: chr5-176939539-G-A.
Other names: c.1129C>T, p.His377Tyr (NM_001321732.2, NM_001321830.2); short protein forms H503Y, H377Y.
Identifiers: ClinVar variation 4844605 (VCV004844605.1).
Genomic context (GRCh38, chr5:177,512,538, plus strand): 5'-TGGGCCCCAGGCTCTTACCATAGTTCTCAATCTCCTCTGGCATGTCATAATTGATGACGT[G>A]CTGGATGGCAGGGAAGTCCAGGCCCTTGGAGGCAACGTCTGTGGCTACTAGGACATCCTT-3'
Protein context (NP_057306.2, residues 493-513): SKGLDFPAIQ[His503Tyr]VINYDMPEEI

ClinVar aggregate classification (germline): Uncertain significance (1 of 4 stars; one submission).

Conditions:
Inborn genetic diseases. Identifiers: MedGen C0950123, MeSH D030342.

Submission:

Ambry Genetics
Classification: Uncertain significance for Inborn genetic diseases. Last evaluated: 2026-02-10. Review status: criteria provided, single submitter. Criteria: Ambry Variant Classification Scheme 2023. Collection method: clinical testing. Allele origin: germline.
Comment: The p.H503Y variant (also known as c.1507C>T), located in coding exon 14 of the DDX41 gene, results from a C to T substitution at nucleotide position 1507. The histidine at codon 503 is replaced by tyrosine, an amino acid with similar properties. This amino acid position is highly conserved in available vertebrate species. In addition, this alteration is predicted to be deleterious by in silico analysis. Based on the available evidence, the clinical significance of this variant remains unclear.